The following is an entry in ClinVar:

ClinVar aggregate classification (germline): Likely benign. Review status: criteria provided, multiple submitters, no conflicts (2 of 4 stars). 3 submissions from 3 submitters: Likely benign (3). Last evaluated 2024-06-12.

Conditions:
Familial cancer of breast. Also called: Hereditary breast cancer; BREAST CANCER, FAMILIAL; hereditary breast carcinoma. Identifiers: Orphanet 227535, MedGen C0346153, MONDO:0016419, OMIM 114480. Disease mechanism: loss of function.
Ataxia-telangiectasia syndrome (AT). Also called: ATAXIA-TELANGIECTASIA, COMPLEMENTATION GROUP A; ATAXIA-TELANGIECTASIA, FRESNO VARIANT; Ataxia-telangiectasia; Ataxia-telangiectasia, complementation group D; AT, COMPLEMENTATION GROUP C; Ataxia-telangiectasia, complementation group E. Identifiers: Orphanet 100, MedGen C0004135, MONDO:0008840, OMIM 208900.

Allele frequency attached by ClinVar (database versions not stated): gnomAD exomes below 0.00001 and 0.00001; gnomAD 0.00001.
gnomAD v4.1: 10 of 1,614,024 alleles (0.00062%); highest among the groups gnomAD compares: Admixed American, 0.0017%; no homozygotes.

Submissions (3):

Myriad Genetics, Inc.
Classification: Likely benign for Familial cancer of breast. Last evaluated: 2024-06-12. Review status: criteria provided, single submitter. Criteria: Myriad Autosomal Dominant, Autosomal Recessive and X-Linked Classification Criteria (2023). Collection method: clinical testing. Allele origin: unknown.
Comment: This variant is considered likely benign. This variant is intronic and is not expected to impact mRNA splicing.

Blueprint Genetics
Classification: Likely benign. Last evaluated: 2021-10-04. Review status: criteria provided, single submitter. Criteria: ACMG Guidelines, 2015. Collection method: clinical testing. Allele origin: germline.

Labcorp Genetics (formerly Invitae), Labcorp
Classification: Likely benign for Ataxia-telangiectasia syndrome. Last evaluated: 2018-10-30. Review status: criteria provided, single submitter. Criteria: Invitae Variant Classification Sherloc (09022015). Collection method: clinical testing. Allele origin: germline.

NM_000051.4(ATM):c.6975+9T>C

Genes: ATM (ATM serine/threonine kinase; plus strand), C11orf65 (chromosome 11 open reading frame 65; minus strand). Cytogenetic location: 11q22.3.
Variant type: single nucleotide variant.
Coding change: c.6975+9T>C on transcript NM_000051.4 (MANE Select); 9 bases into the intron after coding-DNA position 6975, T replaced by C.
Molecular consequence: intron variant.
Genome position (GRCh38, 1-based): chr11:108,326,234, T>C. VCF-style: chr11-108326234-T-C. GRCh37 (hg19) VCF-style: chr11-108196961-T-C.
Other names: c.6975+9T>C (NM_001351834.2); c.641-17163A>G (NM_001330368.2); c.*38+8986A>G (NM_001351110.2).
Identifiers: ClinVar variation 794031 (VCV000794031.11), dbSNP rs1290573965, ClinGen allele CA601726266.
Genomic context (GRCh38, chr11:108,326,234, plus strand): 5'-CCTGAGTATTCTCAAGCAAATGATCAAGAAGTTGGATGCCAGCTGTGCAGCGGTTTGTTT[T>C]TTTTATTGGCTGGATTAGTGTTTTACTGTTATTTAAAAAAACACAAATGTACTTTAAAAT-3'